The following is an entry in ClinVar:

NM_033380.3(COL4A5):c.4469delinsGC (p.Tyr1490fs)

Gene: COL4A5 (collagen type IV alpha 5 chain; plus strand). Cytogenetic location: Xq22.3.
Variant type: Indel.
Coding change: c.4469delinsGC on transcript NM_033380.3 (MANE Select); coding-DNA position 4469, A replaced by GC.
Protein change: p.Tyr1490fs; shifts the reading frame from tyrosine 1490.
Molecular consequence: frameshift variant.
Genome position (GRCh38, 1-based): chrX:108,687,635, A replaced by GC. VCF-style: chrX-108687635-A-GC. GRCh37 (hg19) VCF-style: chrX-107930865-A-GC.
Other names: c.4451delinsGC, p.Tyr1484fs (NM_000495.5); short protein forms Y1484fs, Y1490fs.
Identifiers: ClinVar variation 5012351 (VCV005012351.1).

ClinVar aggregate classification (germline): Pathogenic (1 of 4 stars; one submission).

Conditions:
X-linked Alport syndrome (ATS1). Also called: NEPHROPATHY AND DEAFNESS, X-LINKED; COL4A5-Related Nephropathy. Identifiers: Orphanet 63, Orphanet 88917, MedGen C4746986, MONDO:0010520, OMIM 301050.

Submission:

Myriad Genetics, Inc.
Classification: Pathogenic for X-linked Alport syndrome. Last evaluated: 2023-10-01. Review status: criteria provided, single submitter. Criteria: Myriad Autosomal Dominant, Autosomal Recessive and X-Linked Classification Criteria (2023). Collection method: clinical testing. Allele origin: unknown.
Comment: NM_000495.4(COL4A5):c.4451delAinsGC(Y1484Cfs*2) is expected to be pathogenic in the context of X-linked Alport syndrome. This variant is predicted to lead to an abnormal or absent protein product due to the creation of a premature termination codon in COL4A5, a gene where loss-of-function variants are known to be pathogenic. Please note: this variant was assessed in the context of healthy population screening.